The following is an entry in ClinVar:

ClinVar aggregate classification (germline): Uncertain significance (1 of 4 stars; one submission).

Submission:

Labcorp Genetics (formerly Invitae), Labcorp
Classification: Uncertain significance. Last evaluated: 2024-09-17. Review status: criteria provided, single submitter. Criteria: Invitae Variant Classification Sherloc (09022015). Collection method: clinical testing. Allele origin: germline.
Comment: This sequence change falls in intron 17 of the TOP2B gene. It does not directly change the encoded amino acid sequence of the TOP2B protein. It affects a nucleotide within the consensus splice site. This variant is not present in population databases (gnomAD no frequency). This variant has not been reported in the literature in individuals affected with TOP2B-related conditions. Variants that disrupt the consensus splice site are a relatively common cause of aberrant splicing (PMID: 17576681, 9536098). Algorithms developed to predict the effect of sequence changes on RNA splicing suggest that this variant may disrupt the consensus splice site. In summary, the available evidence is currently insufficient to determine the role of this variant in disease. Therefore, it has been classified as a Variant of Uncertain Significance.

Literature cited by the submitters: PubMed 17576681; PubMed 9536098.

NM_001330700.2(TOP2B):c.2109+5_2109+10del

Gene: TOP2B (DNA topoisomerase II beta; minus strand). Cytogenetic location: 3p24.2.
Variant type: Deletion.
Coding change: c.2109+5_2109+10del on transcript NM_001330700.2 (MANE Select); bases 5 to 10 of the intron after coding-DNA position 2109, 6 bases deleted (GTCTTA; older notation c.2109+5_2109+10delGTCTTA).
Molecular consequence: splice donor variant.
Genome position (GRCh38, 1-based): chr3:25,626,762-25,626,767, TAAGAC deleted on the plus strand (GTCTTA on the coding strand, the reverse complement: TOP2B is on the minus strand); deleting any 6 consecutive bases within chr3:25,626,762-25,626,770 gives the same sequence; the c. name uses the placement nearest the transcript's 3' end. VCF-style (leftmost placement, unchanged base first): chr3-25626761-TTAAGAC-T. GRCh37 (hg19) VCF-style: chr3-25668252-TTAAGAC-T.
Other names: c.2094+5_2094+10del (NM_001068.3).
Identifiers: ClinVar variation 3717770 (VCV003717770.2).
Genomic context (GRCh38, chr3:25,626,761, plus strand): 5'-TATCATTATTACTGCATGAATTCTAGTCTCTCTCTCCTTCTTTCCCCAGGTCACCACTCT[TTAAGAC>T]TAACCTCTGGTAAGCCATGTAGCCTACGCTGTCTCCGGTCTTCCATAAAATTTGTTAACC-3'